The following is an entry in ClinVar:

ClinVar aggregate classification (germline): Uncertain significance (1 of 4 stars; one submission).

gnomAD v4.1: 2 of 1,613,962 alleles (0.00012%); highest among the groups gnomAD compares: Non-Finnish European, 0.00017%; no homozygotes.

Submission:

Labcorp Genetics (formerly Invitae), Labcorp
Classification: Uncertain significance. Last evaluated: 2025-12-25. Review status: criteria provided, single submitter. Criteria: Invitae Variant Classification Sherloc (09022015). Collection method: clinical testing. Allele origin: germline.
Comment: This sequence change replaces lysine, which is basic and polar, with asparagine, which is neutral and polar, at codon 579 of the HMCN1 protein (p.Lys579Asn). This variant is not present in population databases (gnomAD no frequency). This variant has not been reported in the literature in individuals affected with HMCN1-related conditions. An algorithm developed to predict the effect of missense changes on protein structure and function outputs the following: PolyPhen-2: "Benign". The asparagine amino acid residue is found in multiple mammalian species, which suggests that this missense change does not adversely affect protein function. In summary, the available evidence is currently insufficient to determine the role of this variant in disease. Therefore, it has been classified as a Variant of Uncertain Significance.

NM_031935.3(HMCN1):c.1737G>C (p.Lys579Asn)

Gene: HMCN1 (hemicentin 1; plus strand). Cytogenetic location: 1q31.1.
Variant type: single nucleotide variant.
Coding change: c.1737G>C on transcript NM_031935.3 (MANE Select); coding-DNA position 1737, G replaced by C.
Protein change: p.Lys579Asn; replaces lysine 579 with asparagine.
Molecular consequence: missense variant.
Genome position (GRCh38, 1-based): chr1:185,933,733, G>C. VCF-style: chr1-185933733-G-C. GRCh37 (hg19) VCF-style: chr1-185902865-G-C.
Other names: short protein forms K579N.
Identifiers: ClinVar variation 4768857 (VCV004768857.1).